The following is an entry in ClinVar:

ClinVar aggregate classification (germline): Uncertain significance (1 of 4 stars; one submission).

Submission:

Labcorp Genetics (formerly Invitae), Labcorp
Classification: Uncertain significance. Last evaluated: 2026-01-12. Review status: criteria provided, single submitter. Criteria: Invitae Variant Classification Sherloc (09022015). Collection method: clinical testing. Allele origin: germline.
Comment: This sequence change replaces aspartic acid, which is acidic and polar, with alanine, which is neutral and non-polar, at codon 886 of the ITGAM protein (p.Asp886Ala). This variant is not present in population databases (gnomAD no frequency). This variant has not been reported in the literature in individuals affected with ITGAM-related conditions. An algorithm developed to predict the effect of missense changes on protein structure and function (PolyPhen-2) suggests that this variant is likely to be tolerated. In summary, the available evidence is currently insufficient to determine the role of this variant in disease. Therefore, it has been classified as a Variant of Uncertain Significance.

NM_000632.4(ITGAM):c.2657A>C (p.Asp886Ala)

Gene: ITGAM (integrin subunit alpha M; plus strand). Cytogenetic location: 16p11.2.
Variant type: single nucleotide variant.
Coding change: c.2657A>C on transcript NM_000632.4 (MANE Select); coding-DNA position 2657, A replaced by C.
Protein change: p.Asp886Ala; replaces aspartic acid 886 with alanine.
Molecular consequence: missense variant.
Genome position (GRCh38, 1-based): chr16:31,326,884, A>C. VCF-style: chr16-31326884-A-C. GRCh37 (hg19) VCF-style: chr16-31338205-A-C.
Other names: c.2660A>C, p.Asp887Ala (NM_001145808.2); short protein forms D886A, D887A.
Identifiers: ClinVar variation 4807024 (VCV004807024.1).